The following is an entry in ClinVar:

NM_000138.5(FBN1):c.7865G>A (p.Cys2622Tyr)

Gene: FBN1 (fibrillin 1; minus strand). Cytogenetic location: 15q21.1.
Variant type: single nucleotide variant.
Coding change: c.7865G>A on transcript NM_000138.5 (MANE Select); coding-DNA position 7865, G replaced by A.
Protein change: p.Cys2622Tyr; replaces cysteine 2622 with tyrosine.
Molecular consequence: missense variant.
Genome position (GRCh38, 1-based): chr15:48,415,722, C>T on the plus strand (G>A on the coding strand, the complement: FBN1 is on the minus strand). VCF-style: chr15-48415722-C-T. GRCh37 (hg19) VCF-style: chr15-48707919-C-T.
Other names: short protein forms C2622Y.
Identifiers: ClinVar variation 519697 (VCV000519697.5), dbSNP rs1555393880, ClinGen allele CA392323371.

ClinVar aggregate classification (germline): Likely pathogenic (1 of 4 stars; one submission).

Conditions:
Familial thoracic aortic aneurysm and aortic dissection (TAAD). Also called: Thoracic aortic aneurysms and dissections. Identifiers: Orphanet 91387, MedGen C4707243, MONDO:0019625.

Submission:

Ambry Genetics
Classification: Likely pathogenic for Familial thoracic aortic aneurysm and aortic dissection. Last evaluated: 2019-12-20. Review status: criteria provided, single submitter. Criteria: Ambry Variant Classification Scheme 2023. Collection method: clinical testing. Allele origin: germline.
Comment: The p.C2622Y variant (also known as c.7865G>A), located in coding exon 63 of the FBN1 gene, results from a G to A substitution at nucleotide position 7865. The cysteine at codon 2622 is replaced by tyrosine, an amino acid with highly dissimilar properties. The majority of FBN1 mutations identified to date have involved the substitution or generation of cysteine residues within cbEGF domains (Vollbrandt T et al. J Biol Chem. 2004;279(31):32924-32931). This particular cysteine substitution has been reported in an individual with a clinical findings associated with Marfan syndrome (Groth KA et al. Genet. Med., 2017 07;19:772-777). Based on internal structural analysis, this alteration eliminates a critical disulfide bond in the structurally sensitive cbEGF-like domain #42 (Ambry internal data). A likely pathogenic alteration (p.C2622S) has been described in the same codon (Loeys B et al. Hum. Mutat., 2004 Aug;24:140-6). This amino acid position is highly conserved in available vertebrate species. In addition, this alteration is predicted to be deleterious by in silico analysis. Based on the majority of available evidence to date, this variant is likely to be pathogenic.

Literature cited by the submitters: PubMed 27906200.